The following is an entry in ClinVar:

NM_001854.4(COL11A1):c.*687C>T

Gene: COL11A1 (collagen type XI alpha 1 chain; minus strand). Cytogenetic location: 1p21.1.
Variant type: single nucleotide variant.
Coding change: c.*687C>T on transcript NM_001854.4 (MANE Select); 687 bases downstream of the stop codon, C replaced by T.
Molecular consequence: 3 prime UTR variant. On other transcripts: non-coding transcript variant (1).
Genome position (GRCh38, 1-based): chr1:102,877,332, G>A on the plus strand (C>T on the coding strand, the complement: COL11A1 is on the minus strand). VCF-style: chr1-102877332-G-A. GRCh37 (hg19) VCF-style: chr1-103342888-G-A.
Other names: c.*687C>T (NM_001190709.2, NM_080629.3, NM_080630.4).
Identifiers: ClinVar variation 291483 (VCV000291483.5), dbSNP rs186072680, ClinGen allele CA10607198.

ClinVar aggregate classification (germline): Likely benign. Review status: criteria provided, single submitter (1 of 4 stars). 2 submissions from 1 submitter: Likely benign (2). Last evaluated 2018-01-13.

Conditions:
Fibrochondrogenesis 1 (FBCG1). Identifiers: Orphanet 2021, MedGen C3278138, MONDO:0009226, OMIM 228520.
Stickler syndrome type 2 (STL2). Also called: STICKLER SYNDROME, TYPE II; STICKLER SYNDROME, BEADED VITREOUS TYPE; STICKLER SYNDROME, VITREOUS TYPE 2; COL11A1-Related Stickler Syndrome. Identifiers: Orphanet 828, Orphanet 90654, MedGen C1858084, MONDO:0011493, OMIM 604841.

Allele frequency attached by ClinVar (database versions not stated): TOPMed 0.00028; gnomAD 0.00032 and 0.00033; 1000 Genomes Project 0.00100; 1000 Genomes Project 30x 0.00109.

Submissions (2):

Illumina Laboratory Services, Illumina
Classification: Likely benign for Stickler syndrome type 2. Last evaluated: 2018-01-13. Review status: criteria provided, single submitter. Criteria: ICSL Variant Classification Criteria 13 December 2019. Collection method: clinical testing. Allele origin: germline.
Comment: This variant was observed in the ICSL laboratory as part of a predisposition screen in an ostensibly healthy population. It had not been previously curated by ICSL or reported in the Human Gene Mutation Database (HGMD: prior to June 1st, 2018), and was therefore a candidate for classification through an automated scoring system. Utilizing variant allele frequency, disease prevalence and penetrance estimates, and inheritance mode, an automated score was calculated to assess if this variant is too frequent to cause the disease. Based on the score and internal cut-off values, a variant classified as likely benign is not then subjected to further curation. The score for this variant resulted in a classification of likely benign for this disease.

Illumina Laboratory Services, Illumina
Classification: Likely benign for Fibrochondrogenesis 1. Last evaluated: 2018-01-13. Review status: criteria provided, single submitter. Criteria: ICSL Variant Classification Criteria 13 December 2019. Collection method: clinical testing. Allele origin: germline.
Comment: the same text as in the submission from Illumina Laboratory Services, Illumina above.